The following is an entry in ClinVar:

ClinVar aggregate classification (germline): Uncertain significance. Review status: criteria provided, single submitter (1 of 4 stars). 2 submissions from 2 submitters: Uncertain significance (1). 1 of the submissions does not count toward it. Last evaluated 2024-04-09.

Conditions:
F5-related disorder. Also called: F5-related condition.
Inborn genetic diseases. Identifiers: MedGen C0950123, MeSH D030342.

gnomAD v4.1: 17 of 1,614,082 alleles (0.0011%); highest among the groups gnomAD compares: South Asian, 0.0022%; no homozygotes.

Submissions (2):

Ambry Genetics
Classification: Uncertain significance for Inborn genetic diseases. Last evaluated: 2024-04-09. Review status: criteria provided, single submitter. Criteria: Ambry Variant Classification Scheme 2023. Collection method: clinical testing. Allele origin: germline.

PreventionGenetics, part of Exact Sciences
Classification: Uncertain significance for F5-related condition. Last evaluated: 2024-02-27. Review status: no assertion criteria provided. Collection method: clinical testing. Allele origin: germline. Not counted in ClinVar's aggregate classification.
Comment: The F5 c.2380C>T variant is predicted to result in the amino acid substitution p.Pro794Ser. To our knowledge, this variant has not been reported in the literature. This variant is reported in 0.0033% of alleles in individuals of South Asian descent in gnomAD. At this time, the clinical significance of this variant is uncertain due to the absence of conclusive functional and genetic evidence.

NM_000130.5(F5):c.2380C>T (p.Pro794Ser)

Gene: F5 (coagulation factor V; minus strand). Cytogenetic location: 1q24.2.
Variant type: single nucleotide variant.
Coding change: c.2380C>T on transcript NM_000130.5 (MANE Select); coding-DNA position 2380, C replaced by T.
Protein change: p.Pro794Ser; replaces proline 794 with serine.
Molecular consequence: missense variant.
Genome position (GRCh38, 1-based): chr1:169,542,710, G>A on the plus strand (C>T on the coding strand, the complement: F5 is on the minus strand). VCF-style: chr1-169542710-G-A. GRCh37 (hg19) VCF-style: chr1-169511948-G-A.
Other names: short protein forms P794S.
Identifiers: ClinVar variation 3047631 (VCV003047631.3), dbSNP rs780727212, ClinGen allele CA1234098.